The following is an entry in ClinVar:

ClinVar aggregate classification (germline): Benign. Review status: criteria provided, multiple submitters, no conflicts (2 of 4 stars). 3 submissions from 3 submitters: Benign (2). 1 of the submissions does not count toward it. Last evaluated 2026-09-01.

Conditions:
TAF2-related disorder. Also called: TAF2-related condition.

Allele frequency attached by ClinVar (database versions not stated): 1000 Genomes Project 30x 0.00422; 1000 Genomes Project 0.00439; TOPMed 0.00946; gnomAD 0.00974 and 0.00993; ESP Exome Variant Server 0.00992; gnomAD exomes 0.01075 and 0.01306; ExAC 0.01178.
gnomAD v4.1: 20,577 of 1,613,980 alleles (1.3%); highest among the groups gnomAD compares: Non-Finnish European, 1.5%; 144 homozygotes.

Submissions (26):

CeGaT Center for Human Genetics Tuebingen
Classification: Benign. Last evaluated: 2026-09-01. Review status: criteria provided, single submitter. Criteria: CeGaT Center For Human Genetics Tuebingen Variant Classification Criteria Version 2. Collection method: clinical testing. Allele origin: germline. Affected: yes. Observed: 33 variant alleles.
Comment: TAF2: BP4, BP7, BS1, BS2

Labcorp Genetics (formerly Invitae), Labcorp
Classification: Benign. Last evaluated: 2026-01-12. Review status: criteria provided, single submitter. Criteria: Invitae Variant Classification Sherloc (09022015). Collection method: clinical testing. Allele origin: germline.

PreventionGenetics, part of Exact Sciences
Classification: Benign for TAF2-related condition. Last evaluated: 2019-04-04. Review status: no assertion criteria provided. Collection method: clinical testing. Allele origin: germline. Not counted in ClinVar's aggregate classification.
Comment: This variant is classified as benign based on ACMG/AMP sequence variant interpretation guidelines (Richards et al. 2015 PMID: 25741868, with internal and published modifications).

Dr. Peter K. Rogan Lab, Western University
No classification provided (evidence only). Condition: Lung cancer. Review status: no classification provided. Collection method: in vitro. Allele origin: not applicable. Functional consequence: retained intron. Not counted in ClinVar's aggregate classification.

Dr. Peter K. Rogan Lab, Western University
No classification provided (evidence only). Condition: Melanoma. Review status: no classification provided. Collection method: in vitro. Allele origin: not applicable. Functional consequence: skipped exon, retained intron. Not counted in ClinVar's aggregate classification.

Dr. Peter K. Rogan Lab, Western University
No classification provided (evidence only). Condition: Melanoma. Review status: no classification provided. Collection method: in vitro. Allele origin: not applicable. Functional consequence: retained intron. Not counted in ClinVar's aggregate classification.

Dr. Peter K. Rogan Lab, Western University
No classification provided (evidence only). Condition: Melanoma. Review status: no classification provided. Collection method: in vitro. Allele origin: not applicable. Functional consequence: skipped exon. Not counted in ClinVar's aggregate classification.

Dr. Peter K. Rogan Lab, Western University
No classification provided (evidence only). Condition: Melanoma. Review status: no classification provided. Collection method: in vitro. Allele origin: not applicable. Functional consequence: retained intron. Not counted in ClinVar's aggregate classification.

Dr. Peter K. Rogan Lab, Western University
No classification provided (evidence only). Condition: Melanoma. Review status: no classification provided. Collection method: in vitro. Allele origin: not applicable. Functional consequence: retained intron. Not counted in ClinVar's aggregate classification.

Dr. Peter K. Rogan Lab, Western University
No classification provided (evidence only). Condition: Melanoma. Review status: no classification provided. Collection method: in vitro. Allele origin: not applicable. Functional consequence: retained intron. Not counted in ClinVar's aggregate classification.

Dr. Peter K. Rogan Lab, Western University
No classification provided (evidence only). Condition: Acute myeloid leukemia. Review status: no classification provided. Collection method: in vitro. Allele origin: not applicable. Functional consequence: skipped exon. Not counted in ClinVar's aggregate classification.

Dr. Peter K. Rogan Lab, Western University
No classification provided (evidence only). Condition: Colon adenocarcinoma. Review status: no classification provided. Collection method: in vitro. Allele origin: not applicable. Functional consequence: skipped exon. Not counted in ClinVar's aggregate classification.

Dr. Peter K. Rogan Lab, Western University
No classification provided (evidence only). Condition: Colorectal cancer. Review status: no classification provided. Collection method: in vitro. Allele origin: not applicable. Functional consequence: skipped exon. Not counted in ClinVar's aggregate classification.

Dr. Peter K. Rogan Lab, Western University
No classification provided (evidence only). Condition: Thyroid cancer, nonmedullary, 1. Review status: no classification provided. Collection method: in vitro. Allele origin: not applicable. Functional consequence: skipped exon. Not counted in ClinVar's aggregate classification.

Dr. Peter K. Rogan Lab, Western University
No classification provided (evidence only). Condition: Uterine corpus endometrial carcinoma. Review status: no classification provided. Collection method: in vitro. Allele origin: not applicable. Functional consequence: skipped exon. Not counted in ClinVar's aggregate classification.

Dr. Peter K. Rogan Lab, Western University
No classification provided (evidence only). Condition: Cervical cancer. Review status: no classification provided. Collection method: in vitro. Allele origin: not applicable. Functional consequence: retained intron. Not counted in ClinVar's aggregate classification.

Dr. Peter K. Rogan Lab, Western University
No classification provided (evidence only). Condition: Cervical cancer. Review status: no classification provided. Collection method: in vitro. Allele origin: not applicable. Functional consequence: skipped exon. Not counted in ClinVar's aggregate classification.

Dr. Peter K. Rogan Lab, Western University
No classification provided (evidence only). Condition: Cervical cancer. Review status: no classification provided. Collection method: in vitro. Allele origin: not applicable. Functional consequence: retained intron. Not counted in ClinVar's aggregate classification.

Dr. Peter K. Rogan Lab, Western University
No classification provided (evidence only). Condition: Cervical cancer. Review status: no classification provided. Collection method: in vitro. Allele origin: not applicable. Functional consequence: skipped exon. Not counted in ClinVar's aggregate classification.

Dr. Peter K. Rogan Lab, Western University
No classification provided (evidence only). Condition: Sarcoma. Review status: no classification provided. Collection method: in vitro. Allele origin: not applicable. Functional consequence: retained intron. Not counted in ClinVar's aggregate classification.

Dr. Peter K. Rogan Lab, Western University
No classification provided (evidence only). Condition: Sarcoma. Review status: no classification provided. Collection method: in vitro. Allele origin: not applicable. Functional consequence: skipped exon, retained intron. Not counted in ClinVar's aggregate classification.

Dr. Peter K. Rogan Lab, Western University
No classification provided (evidence only). Condition: Malignant lymphoma, large B-cell, diffuse. Review status: no classification provided. Collection method: in vitro. Allele origin: not applicable. Functional consequence: retained intron. Not counted in ClinVar's aggregate classification.

Dr. Peter K. Rogan Lab, Western University
No classification provided (evidence only). Condition: Malignant lymphoma, large B-cell, diffuse. Review status: no classification provided. Collection method: in vitro. Allele origin: not applicable. Functional consequence: skipped exon. Not counted in ClinVar's aggregate classification.

Dr. Peter K. Rogan Lab, Western University
No classification provided (evidence only). Condition: Ovarian serous cystadenocarcinoma. Review status: no classification provided. Collection method: in vitro. Allele origin: not applicable. Functional consequence: retained intron. Not counted in ClinVar's aggregate classification.

Dr. Peter K. Rogan Lab, Western University
No classification provided (evidence only). Condition: Uterine carcinosarcoma. Review status: no classification provided. Collection method: in vitro. Allele origin: not applicable. Functional consequence: retained intron. Not counted in ClinVar's aggregate classification.

Dr. Peter K. Rogan Lab, Western University
No classification provided (evidence only). Condition: Malignant tumor of esophagus. Review status: no classification provided. Collection method: in vitro. Allele origin: not applicable. Functional consequence: retained intron. Not counted in ClinVar's aggregate classification.

NM_003184.4(TAF2):c.654C>T (p.Gly218=)

Gene: TAF2 (TATA-box binding protein associated factor 2; minus strand). Cytogenetic location: 8q24.12.
Variant type: single nucleotide variant.
Coding change: c.654C>T on transcript NM_003184.4 (MANE Select); coding-DNA position 654, C replaced by T.
Protein change: p.Gly218=; no amino-acid change (glycine 218 retained).
Molecular consequence: synonymous variant.
Genome position (GRCh38, 1-based): chr8:119,801,932, G>A on the plus strand (C>T on the coding strand, the complement: TAF2 is on the minus strand). VCF-style: chr8-119801932-G-A. GRCh37 (hg19) VCF-style: chr8-120814172-G-A.
Other names: c.654C>T (NM_003184.3).
Identifiers: ClinVar variation 1557481 (VCV001557481.25), dbSNP rs61753749, ClinGen allele CA4857513.